The following is an entry in ClinVar:

ClinVar aggregate classification (germline): Uncertain significance. Review status: criteria provided, multiple submitters, no conflicts (2 of 4 stars). 2 submissions from 2 submitters: Uncertain significance (2). Last evaluated 2025-06-22.

Conditions:
Primary dilated cardiomyopathy (DCM). Also called: Dilated Cardiomyopathy. Identifiers: Orphanet 217604, MedGen C0007193, MeSH D002311, MONDO:0005021, HP:0001644. Inheritance: Various modes of inheritance.
Hypertrophic cardiomyopathy. Also called: HYPERTROPHIC MYOCARDIOPATHY. Identifiers: Orphanet 217569, MedGen C0007194, MeSH D002312, MONDO:0005045, HP:0001639.

gnomAD v4.1: 7 of 1,607,192 alleles (0.00044%); highest among the groups gnomAD compares: East Asian, 0.0022%; no homozygotes.

Submissions (2):

Labcorp Genetics (formerly Invitae), Labcorp
Classification: Uncertain significance for Hypertrophic cardiomyopathy; Primary dilated cardiomyopathy. Last evaluated: 2025-06-22. Review status: criteria provided, single submitter. Criteria: Invitae Variant Classification Sherloc (09022015). Collection method: clinical testing. Allele origin: germline.
Comment: This sequence change replaces glutamic acid, which is acidic and polar, with lysine, which is basic and polar, at codon 230 of the PDLIM3 protein (p.Glu230Lys). This variant is not present in population databases (gnomAD no frequency). This variant has not been reported in the literature in individuals affected with PDLIM3-related conditions. ClinVar contains an entry for this variant (Variation ID: 3305570). Invitae Evidence Modeling of protein sequence and biophysical properties (such as structural, functional, and spatial information, amino acid conservation, physicochemical variation, residue mobility, and thermodynamic stability) indicates that this missense variant is not expected to disrupt PDLIM3 protein function with a negative predictive value of 80%. In summary, the available evidence is currently insufficient to determine the role of this variant in disease. Therefore, it has been classified as a Variant of Uncertain Significance.

Ambry Genetics
Classification: Uncertain significance. Last evaluated: 2024-06-24. Review status: criteria provided, single submitter. Criteria: Ambry Variant Classification Scheme 2023. Collection method: clinical testing. Allele origin: germline.
Comment: The p.E230K variant (also known as c.688G>A), located in coding exon 6 of the PDLIM3 gene, results from a G to A substitution at nucleotide position 688. The glutamic acid at codon 230 is replaced by lysine, an amino acid with similar properties. This amino acid position is conserved. In addition, this alteration is predicted to be tolerated by in silico analysis. Based on the available evidence, the clinical significance of this variant remains unclear.

NM_014476.6(PDLIM3):c.688G>A (p.Glu230Lys)

Gene: PDLIM3 (PDZ and LIM domain 3; minus strand). Cytogenetic location: 4q35.1.
Variant type: single nucleotide variant.
Coding change: c.688G>A on transcript NM_014476.6 (MANE Select); coding-DNA position 688, G replaced by A.
Protein change: p.Glu230Lys; replaces glutamic acid 230 with lysine.
Molecular consequence: missense variant. On other transcripts: non-coding transcript variant (1).
Genome position (GRCh38, 1-based): chr4:185,506,627, C>T on the plus strand (G>A on the coding strand, the complement: PDLIM3 is on the minus strand). VCF-style: chr4-185506627-C-T. GRCh37 (hg19) VCF-style: chr4-186427781-C-T.
Other names: c.544G>A, p.Glu182Lys (NM_001114107.5); c.424G>A, p.Glu142Lys (NM_001257962.2); c.187G>A, p.Glu63Lys (NM_001257963.2); short protein forms E142K, E182K, E230K, E63K.
Identifiers: ClinVar variation 3305570 (VCV003305570.2).